The following is an entry in ClinVar:

ClinVar aggregate classification (germline): Conflicting classifications of pathogenicity. Review status: criteria provided, conflicting classifications (1 of 4 stars). 3 submissions from 3 submitters: Uncertain significance (2); Likely benign (1). Last evaluated 2025-02-02.

Conditions:
Inborn genetic diseases. Identifiers: MedGen C0950123, MeSH D030342.
Fanconi anemia (FA). Also called: Fanconi's anemia. Identifiers: Orphanet 84, MedGen C0015625, MeSH D005199, MONDO:0019391.

Allele frequency attached by ClinVar (database versions not stated): gnomAD exomes below 0.00001; TOPMed below 0.00001; gnomAD 0.00001.
gnomAD v4.1: 8 of 1,614,064 alleles (0.0005%); highest among the groups gnomAD compares: African/African-American, 0.0053%; no homozygotes.

Submissions (3):

Ambry Genetics
Classification: Uncertain significance for Inborn genetic diseases. Last evaluated: 2025-02-02. Review status: criteria provided, single submitter. Criteria: Ambry Variant Classification Scheme 2023. Collection method: clinical testing. Allele origin: germline.
Comment: The p.N1873S variant (also known as c.5618A>G), located in coding exon 21 of the FANCM gene, results from an A to G substitution at nucleotide position 5618. The asparagine at codon 1873 is replaced by serine, an amino acid with highly similar properties. This amino acid position is conserved. In addition, this alteration is predicted to be tolerated by in silico analysis. Based on the available evidence, the clinical significance of this variant remains unclear.

Labcorp Genetics (formerly Invitae), Labcorp
Classification: Uncertain significance for Fanconi anemia. Last evaluated: 2023-09-21. Review status: criteria provided, single submitter. Criteria: Invitae Variant Classification Sherloc (09022015). Collection method: clinical testing. Allele origin: germline.
Comment: This sequence change replaces asparagine, which is neutral and polar, with serine, which is neutral and polar, at codon 1873 of the FANCM protein (p.Asn1873Ser). This variant is not present in population databases (gnomAD no frequency). This variant has not been reported in the literature in individuals affected with FANCM-related conditions. ClinVar contains an entry for this variant (Variation ID: 835754). Algorithms developed to predict the effect of missense changes on protein structure and function output the following: SIFT: "Not Available"; PolyPhen-2: "Benign"; Align-GVGD: "Not Available". The serine amino acid residue is found in multiple mammalian species, which suggests that this missense change does not adversely affect protein function. In summary, the available evidence is currently insufficient to determine the role of this variant in disease. Therefore, it has been classified as a Variant of Uncertain Significance.

Blueprint Genetics
Classification: Likely benign. Last evaluated: 2021-08-04. Review status: criteria provided, single submitter. Criteria: ACMG Guidelines, 2015. Collection method: clinical testing. Allele origin: germline.

NM_020937.4(FANCM):c.5618A>G (p.Asn1873Ser)

Gene: FANCM (FA complementation group M; plus strand). Cytogenetic location: 14q21.2.
Variant type: single nucleotide variant.
Coding change: c.5618A>G on transcript NM_020937.4 (MANE Select); coding-DNA position 5618, A replaced by G.
Protein change: p.Asn1873Ser; replaces asparagine 1873 with serine.
Molecular consequence: missense variant.
Genome position (GRCh38, 1-based): chr14:45,196,449, A>G. VCF-style: chr14-45196449-A-G. GRCh37 (hg19) VCF-style: chr14-45665652-A-G.
Other names: c.5540A>G, p.Asn1847Ser (NM_001308133.2); short protein forms N1847S, N1873S.
Identifiers: ClinVar variation 835754 (VCV000835754.10), dbSNP rs1890063869, ClinGen allele CA389586257.